The following is an entry in ClinVar:

ClinVar aggregate classification (germline): Uncertain significance (1 of 4 stars; one submission).

Allele frequency attached by ClinVar (database versions not stated): gnomAD exomes below 0.00001; gnomAD 0.00001; TOPMed 0.00002.
gnomAD v4.1: 4 of 1,613,884 alleles (0.00025%); highest among the groups gnomAD compares: African/African-American, 0.0053%; no homozygotes.

Submission:

Labcorp Genetics (formerly Invitae), Labcorp
Classification: Uncertain significance. Last evaluated: 2022-03-14. Review status: criteria provided, single submitter. Criteria: Invitae Variant Classification Sherloc (09022015). Collection method: clinical testing. Allele origin: germline.
Comment: This sequence change replaces glycine, which is neutral and non-polar, with serine, which is neutral and polar, at codon 247 of the KIAA1549 protein (p.Gly247Ser). This variant is present in population databases (no rsID available, gnomAD 0.007%). This variant has not been reported in the literature in individuals affected with KIAA1549-related conditions. Algorithms developed to predict the effect of missense changes on protein structure and function output the following: SIFT: "Tolerated"; PolyPhen-2: "Benign"; Align-GVGD: "Class C0". The serine amino acid residue is found in multiple mammalian species, which suggests that this missense change does not adversely affect protein function. Algorithms developed to predict the effect of sequence changes on RNA splicing suggest that this variant may create or strengthen a splice site. In summary, the available evidence is currently insufficient to determine the role of this variant in disease. Therefore, it has been classified as a Variant of Uncertain Significance.

NM_001164665.2(KIAA1549):c.739G>A (p.Gly247Ser)

Gene: KIAA1549 (KIAA1549; minus strand). Cytogenetic location: 7q34.
Variant type: single nucleotide variant.
Coding change: c.739G>A on transcript NM_001164665.2 (MANE Select); coding-DNA position 739, G replaced by A.
Protein change: p.Gly247Ser; replaces glycine 247 with serine.
Molecular consequence: missense variant.
Genome position (GRCh38, 1-based): chr7:138,918,887, C>T on the plus strand (G>A on the coding strand, the complement: KIAA1549 is on the minus strand). VCF-style: chr7-138918887-C-T. GRCh37 (hg19) VCF-style: chr7-138603633-C-T.
Other names: c.739G>A, p.Gly247Ser (NM_020910.3); short protein forms G247S.
Identifiers: ClinVar variation 1509992 (VCV001509992.3), dbSNP rs963558781, ClinGen allele CA167166974.